The following is an entry in ClinVar:

NM_001252024.2(TRPM1):c.2984T>C (p.Met995Thr)

Genes: TRPM1 (transient receptor potential cation channel subfamily M member 1; minus strand), TRPM1-AS1 (TRPM1 antisense RNA 1; plus strand). Cytogenetic location: 15q13.3.
Variant type: single nucleotide variant.
Coding change: c.2984T>C on transcript NM_001252024.2 (MANE Select); coding-DNA position 2984, T replaced by C.
Protein change: p.Met995Thr; replaces methionine 995 with threonine.
Molecular consequence: missense variant.
Genome position (GRCh38, 1-based): chr15:31,031,126, A>G on the plus strand (T>C on the coding strand, the complement: TRPM1 is on the minus strand). VCF-style: chr15-31031126-A-G. GRCh37 (hg19) VCF-style: chr15-31323329-A-G.
Other names: c.3035T>C, p.Met1012Thr (NM_001252020.2); c.2918T>C, p.Met973Thr (NM_002420.6); short protein forms M1012T, M973T, M995T.
Identifiers: ClinVar variation 4277280 (VCV004277280.1).

ClinVar aggregate classification (germline): Likely pathogenic (1 of 4 stars; one submission).

Conditions:
Congenital stationary night blindness 1C. Also called: Night blindness, congenital stationary (complete), 1C, autosomal recessive. Identifiers: Orphanet 215, MedGen C2750747, MONDO:0013183, OMIM 613216.

gnomAD v4.1: 8 of 1,614,254 alleles (0.0005%); highest among the groups gnomAD compares: South Asian, 0.0022%; 1 homozygote.

Submission:

Ophthalmic Genetics and Bioinformatics Laboratory, Shanghai Puxi and Light Genomics Technology Co., Ltd.
Classification: Likely pathogenic for Congenital stationary night blindness 1C. Last evaluated: 2025-03-12. Review status: criteria provided, single submitter. Criteria: ACMG Guidelines, 2015. Collection method: clinical testing. Allele origin: paternal. Affected: yes.
Comment: The variant is rated as PM2_Supporting + PP3 + PM3 based on the following evidence: This variant is extremely rare or absent in the ExAC, gnomAD, and 1000 Genomes Asian population databases, indicating a low population frequency. Multiple variant prediction tools suggest that this variant may be pathogenic, supporting its potential harmful effect.